The following is an entry in ClinVar:

ClinVar aggregate classification (germline): Uncertain significance (1 of 4 stars; one submission).

Submission:

GeneDx
Classification: Uncertain significance. Last evaluated: 2024-12-10. Review status: criteria provided, single submitter. Criteria: GeneDx Variant Classification Process June 2021. Collection method: clinical testing. Allele origin: germline. Affected: yes.
Comment: Not observed at significant frequency in large population cohorts (gnomAD); In silico analysis indicates that this missense variant does not alter protein structure/function; Has not been previously published as pathogenic or benign to our knowledge

NM_001127644.2(GABRA1):c.530C>T (p.Ala177Val)

Gene: GABRA1 (gamma-aminobutyric acid type A receptor subunit alpha1; plus strand). Cytogenetic location: 5q34.
Variant type: single nucleotide variant.
Coding change: c.530C>T on transcript NM_001127644.2 (MANE Select); coding-DNA position 530, C replaced by T.
Protein change: p.Ala177Val; replaces alanine 177 with valine.
Molecular consequence: missense variant.
Genome position (GRCh38, 1-based): chr5:161,875,613, C>T. VCF-style: chr5-161875613-C-T. GRCh37 (hg19) VCF-style: chr5-161302619-C-T.
Other names: c.530C>T, p.Ala177Val (NM_000806.5, NM_001127643.2, NM_001127645.2 and 1 more transcripts); short protein forms A177V.
Identifiers: ClinVar variation 3902940 (VCV003902940.1).